The following is an entry in ClinVar:

ClinVar aggregate classification (germline): Pathogenic (1 of 4 stars; one submission).

Conditions:
Duchenne muscular dystrophy (DMD). Also called: MUSCULAR DYSTROPHY, PSEUDOHYPERTROPHIC PROGRESSIVE, DUCHENNE TYPE; Duchenne Muscular Dystrophy (DMD). Identifiers: Orphanet 98896, MedGen C0013264, MONDO:0010679, OMIM 310200.

Submission:

Labcorp Genetics (formerly Invitae), Labcorp
Classification: Pathogenic for Duchenne muscular dystrophy. Last evaluated: 2020-09-30. Review status: criteria provided, single submitter. Criteria: Invitae Variant Classification Sherloc (09022015). Collection method: clinical testing. Allele origin: germline.
Comment: This sequence change creates a premature translational stop signal (p.Trp2807*) in the DMD gene. It is expected to result in an absent or disrupted protein product. This variant is not present in population databases (ExAC no frequency). This nonsense change has been observed in individual(s) with Duchenne muscular dystrophy (PMID: 17041906). Loss-of-function variants in DMD are known to be pathogenic (PMID: 16770791, 25007885). For these reasons, this variant has been classified as Pathogenic.

Literature cited by the submitters: PubMed 17041906; PubMed 16770791; PubMed 25007885.

NM_004006.3(DMD):c.8421G>A (p.Trp2807Ter)

Gene: DMD (dystrophin; minus strand). Cytogenetic location: Xp21.2.
Variant type: single nucleotide variant.
Coding change: c.8421G>A on transcript NM_004006.3 (MANE Select); coding-DNA position 8421, G replaced by A.
Protein change: p.Trp2807Ter; replaces tryptophan 2807 with a stop codon.
Molecular consequence: nonsense.
Genome position (GRCh38, 1-based): chrX:31,496,914, C>T on the plus strand (G>A on the coding strand, the complement: DMD is on the minus strand). VCF-style: chrX-31496914-C-T. GRCh37 (hg19) VCF-style: chrX-31515031-C-T.
Other names: c.8397G>A, p.Trp2799Ter (NM_000109.4); c.8409G>A, p.Trp2803Ter (NM_004009.3); c.8052G>A, p.Trp2684Ter (NM_004010.3); c.4398G>A, p.Trp1466Ter (NM_004011.4); c.4389G>A, p.Trp1463Ter (NM_004012.4); c.1041G>A, p.Trp347Ter (NM_004013.3, NM_004020.4, NM_004021.3 and 2 more transcripts); c.234G>A, p.Trp78Ter (NM_004014.3); short protein forms W1463*, W1466*, W2684*, W2799*, W2803*, W2807*, W347*, W78*.
Identifiers: ClinVar variation 1075853 (VCV001075853.9), dbSNP rs2147076330, ClinGen allele CA412655624.
Genomic context (GRCh38, chrX:31,496,914, plus strand): 5'-TTCATCATCTTTCAGCTGTAGCCACACCAGAAGTTCCTGCAGAGAAAGGTGCAGACGCTT[C>T]CACTGGTCAGAACTGGCTTCCAAATGGGACCTGAAAAAGAACAGCAGCGTACCATGTCAG-3'